The following is an entry in ClinVar:

NM_000170.3(GLDC):c.1851-1G>A

Gene: GLDC (glycine decarboxylase; minus strand). Cytogenetic location: 9p24.1.
Variant type: single nucleotide variant.
Coding change: c.1851-1G>A on transcript NM_000170.3 (MANE Select); the canonical splice acceptor site of the intron before coding-DNA position 1851, G replaced by A.
Molecular consequence: splice acceptor variant.
Genome position (GRCh38, 1-based): chr9:6,565,430, C>T on the plus strand (G>A on the coding strand, the complement: GLDC is on the minus strand). VCF-style: chr9-6565430-C-T. GRCh37 (hg19) VCF-style: chr9-6565430-C-T.
Identifiers: ClinVar variation 2136738 (VCV002136738.4), dbSNP rs747058634, ClinGen allele CA4980501.

ClinVar aggregate classification (germline): Pathogenic. Review status: criteria provided, multiple submitters, no conflicts (2 of 4 stars). 2 submissions from 2 submitters: Pathogenic (2). Last evaluated 2025-09-14.

Conditions:
Glycine encephalopathy. Also called: Non-ketotic hyperglycinemia; Nonketotic hyperglycinemia. Identifiers: Orphanet 407, MedGen C0751748, MONDO:0011612, HP:0008288.
Glycine encephalopathy 1 (GCE1). Identifiers: MedGen CN376801, MONDO:0958179, OMIM 605899.

Allele frequency attached by ClinVar (database versions not stated): TOPMed below 0.00001; ExAC 0.00001; gnomAD 0.00001; gnomAD exomes 0.00001.
gnomAD v4.1: 11 of 1,611,714 alleles (0.00068%); highest among the groups gnomAD compares: Non-Finnish European, 0.00093%; no homozygotes.

Submissions (2):

Labcorp Genetics (formerly Invitae), Labcorp
Classification: Pathogenic for Glycine encephalopathy. Last evaluated: 2025-09-14. Review status: criteria provided, single submitter. Criteria: Invitae Variant Classification Sherloc (09022015). Collection method: clinical testing. Allele origin: germline.
Comment: This sequence change affects an acceptor splice site in intron 15 of the GLDC gene. It is expected to disrupt RNA splicing. Variants that disrupt the donor or acceptor splice site typically lead to a loss of protein function (PMID: 16199547), and loss-of-function variants in GLDC are known to be pathogenic (PMID: 16601880). This variant is present in population databases (rs747058634, gnomAD 0.0009%). Disruption of this splice site has been observed in individual(s) with nonketotic hyperglycinemia (PMID: 27362913). In at least one individual the data is consistent with being in trans (on the opposite chromosome) from a pathogenic variant. This variant is also known as IVS15-1G>A. ClinVar contains an entry for this variant (Variation ID: 2136738). Algorithms developed to predict the effect of sequence changes on RNA splicing suggest that this variant may disrupt the consensus splice site. For these reasons, this variant has been classified as Pathogenic.

Variantyx, Inc.
Classification: Pathogenic for Glycine encephalopathy 1. Last evaluated: 2025-04-10. Review status: criteria provided, single submitter. Criteria: Variantyx Assertion Criteria 2022. Collection method: clinical testing. Allele origin: germline. Inheritance: Autosomal recessive inheritance. Affected: no.
Comment: This is a canonical splicing variant in the GLDC gene (OMIM: 238300). Pathogenic variants in this gene have been associated with autosomal recessive glycine encephalopathy. This variant has been identified in the homozygous or compound heterozygous state in at least 3 individuals reported in the published literature (PMID: 26179960, 27362913) (PM3_Strong) and has a 0.0009% maximum allele frequency in non-founder control populations (PM2). Based on the current evidence, this variant is classified as pathogenic for autosomal recessive glycine encephalopathy.

Literature cited by the submitters: PubMed 16199547 (cited by Labcorp Genetics (formerly Invitae), Labcorp); PubMed 16601880 (cited by Labcorp Genetics (formerly Invitae), Labcorp); PubMed 27362913 (cited by Labcorp Genetics (formerly Invitae), Labcorp and Variantyx, Inc.); PubMed 26179960 (cited by Variantyx, Inc.).